The following is an entry in ClinVar:

NM_032383.5(HPS3):c.325_328del (p.Ile109fs)

Gene: HPS3 (HPS3 biogenesis of lysosomal organelles complex 2 subunit 1; plus strand). Cytogenetic location: 3q24.
Variant type: Deletion.
Coding change: c.325_328del on transcript NM_032383.5 (MANE Select); coding-DNA positions 325 to 328, 4 bases deleted (ATTG; older notation c.325_328delATTG).
Protein change: p.Ile109fs; shifts the reading frame from isoleucine 109.
Molecular consequence: frameshift variant. On other transcripts: intron variant (1).
Genome position (GRCh38, 1-based): chr3:149,140,111-149,140,114, ATTG deleted; deleting any 4 consecutive bases within chr3:149,140,109-149,140,114 gives the same sequence; the c. name uses the placement nearest the transcript's 3' end. VCF-style (leftmost placement, unchanged base first): chr3-149140108-ATGAT-A. GRCh37 (hg19) VCF-style: chr3-148857895-ATGAT-A.
Other names: c.218-906_218-903del (NM_001308258.2); short protein forms I109fs.
Identifiers: ClinVar variation 1725031 (VCV001725031.2), dbSNP rs2473068114, ClinGen allele CA2580068938.
Genomic context (GRCh38, chr3:149,140,108, plus strand): 5'-CTACGTGCTTATGTGAACTGGAGAAATAAAAGGACTGAAAACTCTCGTGTGTGTATCCGA[ATGAT>A]TGGGCATAATGTGGAGGGACCATTCAGCAAAGCCTTCAGAGACCAGATGTACATTATTGA-3'

ClinVar aggregate classification (germline): Likely pathogenic (1 of 4 stars; one submission).

Conditions:
Hermansky-Pudlak syndrome 3 (HPS3). Identifiers: Orphanet 231512, Orphanet 79430, MedGen C3888001, MONDO:0013555, OMIM 614072.

Submission:

Myriad Genetics, Inc.
Classification: Likely pathogenic for Hermansky-Pudlak syndrome 3. Last evaluated: 2021-11-28. Review status: criteria provided, single submitter. Criteria: Myriad Women's Health Autosomal Recessive and X-Linked Classification Criteria (2021). Collection method: clinical testing. Allele origin: unknown.
Comment: NM_032383.3(HPS3):c.325_328delATTG(I109Gfs*35) is expected to be pathogenic in the context of Hermansky-Pudlak syndrome type 3. This variant is predicted to lead to an abnormal or absent protein product due to the creation of a premature termination codon in HPS3, a gene where loss-of-function variants are known to be pathogenic. Please note: this variant was assessed in the context of healthy population screening.